The following is an entry in ClinVar:

NM_001291415.2(KDM6A):c.1515T>A (p.His505Gln)

Gene: KDM6A (lysine demethylase 6A; plus strand). Cytogenetic location: Xp11.3.
Variant type: single nucleotide variant.
Coding change: c.1515T>A on transcript NM_001291415.2 (MANE Select); coding-DNA position 1515, T replaced by A.
Protein change: p.His505Gln; replaces histidine 505 with glutamine.
Molecular consequence: missense variant. On other transcripts: non-coding transcript variant (1).
Genome position (GRCh38, 1-based): chrX:45,061,353, T>A. VCF-style: chrX-45061353-T-A. GRCh37 (hg19) VCF-style: chrX-44920598-T-A.
Other names: c.1380T>A, p.His460Gln (NM_001291416.2); c.1224T>A, p.His408Gln (NM_001291417.2, NM_001291418.2); c.471T>A, p.His157Gln (NM_001291421.2); c.1359T>A, p.His453Gln (NM_021140.4); short protein forms H157Q, H408Q, H453Q, H460Q, H505Q.
Identifiers: ClinVar variation 1695294 (VCV001695294.31), dbSNP rs2147975479, ClinGen allele CA412784852.

ClinVar aggregate classification (germline): Uncertain significance (1 of 4 stars; one submission).

Submission:

CeGaT Center for Human Genetics Tuebingen
Classification: Uncertain significance. Last evaluated: 2022-06-01. Review status: criteria provided, single submitter. Criteria: CeGaT Center For Human Genetics Tuebingen Variant Classification Criteria Version 2. Collection method: clinical testing. Allele origin: germline. Affected: yes. Observed: 1 variant allele.
Comment: KDM6A: PM2